The following is an entry in ClinVar:

NM_001144013.2(RGPD3):c.3117A>G (p.Glu1039=)

Gene: RGPD3 (RANBP2 like and GRIP domain containing 3; minus strand). Cytogenetic location: 2q12.2.
Variant type: single nucleotide variant.
Coding change: c.3117A>G on transcript NM_001144013.2 (MANE Select); coding-DNA position 3117, A replaced by G.
Protein change: p.Glu1039=; no amino-acid change (glutamic acid 1039 retained).
Molecular consequence: synonymous variant.
Genome position (GRCh38, 1-based): chr2:106,424,850, T>C on the plus strand (A>G on the coding strand, the complement: RGPD3 is on the minus strand). VCF-style: chr2-106424850-T-C. GRCh37 (hg19) VCF-style: chr2-107041306-T-C.
Identifiers: ClinVar variation 2651232 (VCV002651232.24), dbSNP rs1387763557, ClinGen allele CA428196419.
Genomic context (GRCh38, chr2:106,424,850, plus strand): 5'-AACTTTTTCACCTTCTTCTCCTGTTACAAGTTCTACTTTTTCAGGCATTTGAACTACTGG[T>C]TCAAAATGGATGTCATCGCTGTCCTCAGTCTTATAGGCATCATCATCTTTCTCAAAGTCA-3'
Protein context (NP_001137485.1, residues 1029-1049): KTEDSDDIHF[Glu1039=]PVVQMPEKVE

ClinVar aggregate classification (germline): Likely benign (1 of 4 stars; one submission).

Allele frequency attached by ClinVar (database versions not stated): gnomAD exomes 0.00001; gnomAD 0.00002.
gnomAD v4.1: 19 of 1,611,608 alleles (0.0012%); highest among the groups gnomAD compares: Non-Finnish European, 0.0016%; no homozygotes.

Submission:

CeGaT Center for Human Genetics Tuebingen
Classification: Likely benign. Last evaluated: 2022-10-01. Review status: criteria provided, single submitter. Criteria: CeGaT Center For Human Genetics Tuebingen Variant Classification Criteria Version 2. Collection method: clinical testing. Allele origin: germline. Affected: yes. Observed: 1 variant allele.
Comment: RGPD3: BP4, BP7